The following is an entry in ClinVar:

ClinVar aggregate classification (germline): Uncertain significance (1 of 4 stars; one submission).

Conditions:
Charcot-Marie-Tooth disease type 4. Also called: Charcot-Marie-Tooth disease, type IV; Charcot-Marie-Tooth, Type 4. Identifiers: Orphanet 64749, MedGen C4082197, MONDO:0018995.

Allele frequency attached by ClinVar (database versions not stated): gnomAD exomes below 0.00001.
gnomAD v4.1: 2 of 1,605,944 alleles (0.00012%); highest among the groups gnomAD compares: Non-Finnish European, 0.00017%; no homozygotes.

Submission:

Labcorp Genetics (formerly Invitae), Labcorp
Classification: Uncertain significance for Charcot-Marie-Tooth disease type 4. Last evaluated: 2021-08-31. Review status: criteria provided, single submitter. Criteria: Invitae Variant Classification Sherloc (09022015). Collection method: clinical testing. Allele origin: germline.
Comment: This sequence change replaces leucine with valine at codon 266 of the SBF2 protein (p.Leu266Val). The leucine residue is highly conserved and there is a small physicochemical difference between leucine and valine. This variant is not present in population databases (ExAC no frequency). This variant has not been reported in the literature in individuals affected with SBF2-related conditions. Algorithms developed to predict the effect of missense changes on protein structure and function are either unavailable or do not agree on the potential impact of this missense change (SIFT: "Deleterious"; PolyPhen-2: "Probably Damaging"; Align-GVGD: "Class C0"). Algorithms developed to predict the effect of sequence changes on RNA splicing suggest that this variant may create or strengthen a splice site. In summary, the available evidence is currently insufficient to determine the role of this variant in disease. Therefore, it has been classified as a Variant of Uncertain Significance.

NM_030962.4(SBF2):c.796C>G (p.Leu266Val)

Gene: SBF2 (SET binding factor 2; minus strand). Cytogenetic location: 11p15.4.
Variant type: single nucleotide variant.
Coding change: c.796C>G on transcript NM_030962.4 (MANE Select); coding-DNA position 796, C replaced by G.
Protein change: p.Leu266Val; replaces leucine 266 with valine.
Molecular consequence: missense variant.
Genome position (GRCh38, 1-based): chr11:10,000,979, G>C on the plus strand (C>G on the coding strand, the complement: SBF2 is on the minus strand). VCF-style: chr11-10000979-G-C. GRCh37 (hg19) VCF-style: chr11-10022526-G-C.
Other names: c.796C>G, p.Leu266Val (NM_001386339.1, NM_001386342.1); short protein forms L266V.
Identifiers: ClinVar variation 574236 (VCV000574236.6), dbSNP rs1565116051, ClinGen allele CA379641762.